The following is an entry in ClinVar:

ClinVar aggregate classification (germline): Uncertain significance. Review status: criteria provided, multiple submitters, no conflicts (2 of 4 stars). 2 submissions from 2 submitters: Uncertain significance (2). Last evaluated 2023-12-19.

Conditions:
Tuberous sclerosis 1 (TSC1). Identifiers: Orphanet 805, MedGen C1854465, MONDO:0008612, OMIM 191100.
Isolated focal cortical dysplasia type II (FCORD2). Also called: CORTICAL DYSPLASIA OF TAYLOR; Focal cortical dysplasia type II. Identifiers: Orphanet 268994, MedGen C1846385, MONDO:0011818, OMIM 607341, HP:0032051.

Submissions (2):

Baylor Genetics
Classification: Uncertain significance for Isolated focal cortical dysplasia type II. Last evaluated: 2023-12-19. Review status: criteria provided, single submitter. Criteria: ACMG Guidelines, 2015. Collection method: clinical testing. Allele origin: unknown.

Labcorp Genetics (formerly Invitae), Labcorp
Classification: Uncertain significance for Tuberous sclerosis 1. Last evaluated: 2019-11-15. Review status: criteria provided, single submitter. Criteria: Invitae Variant Classification Sherloc (09022015). Collection method: clinical testing. Allele origin: germline.
Comment: In summary, the available evidence is currently insufficient to determine the role of this variant in disease. Therefore, it has been classified as a Variant of Uncertain Significance. Algorithms developed to predict the effect of missense changes on protein structure and function are either unavailable or do not agree on the potential impact of this missense change (SIFT: "Tolerated"; PolyPhen-2: "Possibly Damaging"; Align-GVGD: "Class C0"). This variant has not been reported in the literature in individuals with TSC1-related conditions. This variant is not present in population databases (ExAC no frequency). This sequence change replaces glutamine with glutamic acid at codon 900 of the TSC1 protein (p.Gln900Glu). The glutamine residue is highly conserved and there is a small physicochemical difference between glutamine and glutamic acid.

NM_000368.5(TSC1):c.2698C>G (p.Gln900Glu)

Gene: TSC1 (TSC complex subunit 1; minus strand). Cytogenetic location: 9q34.13.
Variant type: single nucleotide variant.
Coding change: c.2698C>G on transcript NM_000368.5 (MANE Select); coding-DNA position 2698, C replaced by G.
Protein change: p.Gln900Glu; replaces glutamine 900 with glutamic acid.
Molecular consequence: missense variant.
Genome position (GRCh38, 1-based): chr9:132,897,538, G>C on the plus strand (C>G on the coding strand, the complement: TSC1 is on the minus strand). VCF-style: chr9-132897538-G-C. GRCh37 (hg19) VCF-style: chr9-135772925-G-C.
Other names: c.2695C>G, p.Gln899Glu (NM_001162426.2); c.2545C>G, p.Gln849Glu (NM_001162427.2); c.2335C>G, p.Gln779Glu (NM_001362177.2); short protein forms Q849E, Q779E, Q899E, Q900E.
Identifiers: ClinVar variation 968321 (VCV000968321.10), dbSNP rs397514871, ClinGen allele CA375369434.